The following is an entry in ClinVar:

NM_001378778.1(MPDZ):c.846A>G (p.Lys282=)

Gene: MPDZ (multiple PDZ domain crumbs cell polarity complex component; minus strand). Cytogenetic location: 9p23.
Variant type: single nucleotide variant.
Coding change: c.846A>G on transcript NM_001378778.1 (MANE Select); coding-DNA position 846, A replaced by G.
Protein change: p.Lys282=; no amino-acid change (lysine 282 retained).
Molecular consequence: synonymous variant.
Genome position (GRCh38, 1-based): chr9:13,221,402, T>C on the plus strand (A>G on the coding strand, the complement: MPDZ is on the minus strand). VCF-style: chr9-13221402-T-C. GRCh37 (hg19) VCF-style: chr9-13221401-T-C.
Other names: c.846A>G, p.Lys282= (NM_001261406.2, NM_001261407.2, NM_001330637.2 and 14 more transcripts).
Identifiers: ClinVar variation 731525 (VCV000731525.36), dbSNP rs146224964, ClinGen allele CA4987989.
Genomic context (GRCh38, chr9:13,221,402, plus strand): 5'-TAGCATAAAAGATCTATTGATGTAGCCTACCTGATCAGCTACTCCTCCAGGCAGAATGGT[T>C]TTTACTATCACACCAGTTGCTTTTCCTCCTATGATGCCAAATCCCAAACCAGATCCATCA-3'
Protein context (NP_001365707.1, residues 272-292): IGGKATGVIV[Lys282=]TILPGGVADQ

ClinVar aggregate classification (germline): Benign/Likely benign. Review status: criteria provided, multiple submitters, no conflicts (2 of 4 stars). 4 submissions from 4 submitters: Benign (2); Likely benign (2). Last evaluated 2026-06-01.

Allele frequency attached by ClinVar (database versions not stated): 1000 Genomes Project 0.00080; 1000 Genomes Project 30x 0.00094; gnomAD 0.00109 and 0.00118; TOPMed 0.00109; gnomAD exomes 0.00128 and 0.00134; ExAC 0.00144; ESP Exome Variant Server 0.00157.
gnomAD v4.1: 2,071 of 1,610,456 alleles (0.13%); highest among the groups gnomAD compares: Middle Eastern, 2.5%; 9 homozygotes.

Submissions (4):

CeGaT Center for Human Genetics Tuebingen
Classification: Likely benign. Last evaluated: 2026-06-01. Review status: criteria provided, single submitter. Criteria: CeGaT Center For Human Genetics Tuebingen Variant Classification Criteria Version 2. Collection method: clinical testing. Allele origin: germline. Affected: yes. Observed: 6 variant alleles.
Comment: MPDZ: BP4, BP7

Labcorp Genetics (formerly Invitae), Labcorp
Classification: Benign. Last evaluated: 2026-01-19. Review status: criteria provided, single submitter. Criteria: Invitae Variant Classification Sherloc (09022015). Collection method: clinical testing. Allele origin: germline.

Blueprint Genetics
Classification: Likely benign. Last evaluated: 2024-11-26. Review status: criteria provided, single submitter. Criteria: ACMG Guidelines, 2015. Collection method: clinical testing. Allele origin: germline.

Breakthrough Genomics
Classification: Benign. Review status: criteria provided, single submitter. Criteria: ACMG Guidelines, 2015. Collection method: not provided. Allele origin: germline. Inheritance: Autosomal recessive inheritance. Affected: yes.